The following is an entry in ClinVar:

ClinVar aggregate classification (germline): Benign. Review status: criteria provided, multiple submitters, no conflicts (2 of 4 stars). 5 submissions from 5 submitters: Benign (5). Last evaluated 2026-02-04.

Conditions:
Cardiac arrhythmia. Also called: Arrhythmia; Cardiac rhythm disease. Identifiers: MedGen C0003811, MONDO:0007263, HP:0011675.
Atrial fibrillation, familial, 6 (ATFB6). Identifiers: MedGen C2677294, MONDO:0012816, OMIM 612201.

Allele frequency attached by ClinVar (database versions not stated): gnomAD exomes 0.08729 and 0.08568; 1000 Genomes Project 30x 0.13413; gnomAD 0.13515 and 0.13980; TOPMed 0.14501; ExAC 0.08941; 1000 Genomes Project 0.12959; ESP Exome Variant Server 0.15524.

Submissions (11):

Labcorp Genetics (formerly Invitae), Labcorp
Classification: Benign for Atrial fibrillation, familial, 6. Last evaluated: 2026-02-04. Review status: criteria provided, single submitter. Criteria: Invitae Variant Classification Sherloc (09022015). Collection method: clinical testing. Allele origin: germline.

GeneDx
Classification: Benign. Last evaluated: 2019-07-23. Review status: criteria provided, single submitter. Criteria: GeneDx Variant Classification Process June 2021. Collection method: clinical testing. Allele origin: germline. Affected: yes.

Women's Health and Genetics/Laboratory Corporation of America, LabCorp
Classification: Benign for Arrhythmia. Last evaluated: 2011-08-18. Review status: criteria provided, single submitter. Criteria: LabCorp Variant Classification Summary - May 2015. Collection method: clinical testing. Allele origin: not applicable. Inheritance: autosomal unknown.
ClinVar note: Converted during submission from benign to Benign.

Breakthrough Genomics
Classification: Benign. Review status: criteria provided, single submitter. Criteria: ACMG Guidelines, 2015. Collection method: not provided. Allele origin: germline. Inheritance: Autosomal recessive inheritance. Affected: yes.

PreventionGenetics, part of Exact Sciences
Classification: Benign. Review status: criteria provided, single submitter. Criteria: ACMG Guidelines, 2015. Collection method: clinical testing. Allele origin: germline.

Dr. Peter K. Rogan Lab, Western University
No classification provided (evidence only). Condition: Uveal melanoma. Review status: no classification provided. Collection method: in vitro. Allele origin: not applicable. Functional consequence: retained intron. Not counted in ClinVar's aggregate classification.

Dr. Peter K. Rogan Lab, Western University
No classification provided (evidence only). Condition: Uveal melanoma. Review status: no classification provided. Collection method: in vitro. Allele origin: not applicable. Functional consequence: retained intron. Not counted in ClinVar's aggregate classification.

Dr. Peter K. Rogan Lab, Western University
No classification provided (evidence only). Condition: Malignant lymphoma, large B-cell, diffuse. Review status: no classification provided. Collection method: in vitro. Allele origin: not applicable. Functional consequence: retained intron. Not counted in ClinVar's aggregate classification.

Dr. Peter K. Rogan Lab, Western University
No classification provided (evidence only). Condition: Malignant lymphoma, large B-cell, diffuse. Review status: no classification provided. Collection method: in vitro. Allele origin: not applicable. Functional consequence: retained intron. Not counted in ClinVar's aggregate classification.

Dr. Peter K. Rogan Lab, Western University
No classification provided (evidence only). Condition: Uterine carcinosarcoma. Review status: no classification provided. Collection method: in vitro. Allele origin: not applicable. Functional consequence: retained intron. Not counted in ClinVar's aggregate classification.

Dr. Peter K. Rogan Lab, Western University
No classification provided (evidence only). Condition: Uterine carcinosarcoma. Review status: no classification provided. Collection method: in vitro. Allele origin: not applicable. Functional consequence: retained intron. Not counted in ClinVar's aggregate classification.

Literature cited by the submitters: PubMed 17460430 (cited by Women's Health and Genetics/Laboratory Corporation of America, LabCorp).

NM_006172.4(NPPA):c.123+16C>T

Genes: NPPA (natriuretic peptide A; minus strand), NPPA-AS1 (NPPA antisense RNA 1; plus strand), LOC114827827 (VISTA enhancer hs2123; plus strand). Cytogenetic location: 1p36.22.
Variant type: single nucleotide variant.
Coding change: c.123+16C>T on transcript NM_006172.4 (MANE Select); 16 bases into the intron after coding-DNA position 123, C replaced by T.
Molecular consequence: intron variant. On other transcripts: non-coding transcript variant (1).
Genome position (GRCh38, 1-based): chr1:11,847,546, G>A on the plus strand (C>T on the coding strand, the complement: NPPA is on the minus strand). VCF-style: chr1-11847546-G-A. GRCh37 (hg19) VCF-style: chr1-11907603-G-A.
Other names: c.123+16C>T (LRG_751t1).
Identifiers: ClinVar variation 36663 (VCV000036663.16), dbSNP rs5064, ClinGen allele CA214186.